The following is an entry in ClinVar:

NM_001365999.1(SZT2):c.7325_7326delinsAG (p.Arg2442Gln)

Gene: SZT2 (SZT2 subunit of KICSTOR complex; plus strand). Cytogenetic location: 1p34.2.
Variant type: Indel.
Coding change: c.7325_7326delinsAG on transcript NM_001365999.1 (MANE Select); coding-DNA positions 7325 to 7326, GT replaced by AG.
Protein change: p.Arg2442Gln; replaces arginine 2442 with glutamine.
Molecular consequence: missense variant.
Genome position (GRCh38, 1-based): chr1:43,440,567-43,440,568, GT replaced by AG. VCF-style: chr1-43440567-GT-AG. GRCh37 (hg19) VCF-style: chr1-43906238-GT-AG.
Other names: c.7154_7155delinsAG, p.Arg2385Gln (NM_015284.4); short protein forms R2385Q, R2442Q.
Identifiers: ClinVar variation 1002408 (VCV001002408.7), dbSNP rs1654958328, ClinGen allele CA1165617866.

ClinVar aggregate classification (germline): Uncertain significance (1 of 4 stars; one submission).

Submission:

Labcorp Genetics (formerly Invitae), Labcorp
Classification: Uncertain significance. Last evaluated: 2020-09-20. Review status: criteria provided, single submitter. Criteria: Invitae Variant Classification Sherloc (09022015). Collection method: clinical testing. Allele origin: germline.
Comment: Algorithms developed to predict the effect of missense changes on protein structure and function are either unavailable or do not agree on the potential impact of this missense change (SIFT: "Not Available"; PolyPhen-2: "Probably Damaging"; Align-GVGD: "Not Available"). In summary, the available evidence is currently insufficient to determine the role of this variant in disease. Therefore, it has been classified as a Variant of Uncertain Significance. This variant has not been reported in the literature in individuals with SZT2-related conditions. The frequency data for this variant in the population databases is not available, as this variant may be reported as separate entries in the ExAC database. This sequence change replaces arginine with glutamine at codon 2385 of the SZT2 protein (p.Arg2385Gln). The arginine residue is highly conserved and there is a small physicochemical difference between arginine and glutamine.